The following is an entry in ClinVar:

NM_014290.3(TDRD7):c.1121C>T (p.Pro374Leu)

Gene: TDRD7 (tudor domain containing 7; plus strand). Cytogenetic location: 9q22.33.
Variant type: single nucleotide variant.
Coding change: c.1121C>T on transcript NM_014290.3 (MANE Select); coding-DNA position 1121, C replaced by T.
Protein change: p.Pro374Leu; replaces proline 374 with leucine.
Molecular consequence: missense variant.
Genome position (GRCh38, 1-based): chr9:97,460,443, C>T. VCF-style: chr9-97460443-C-T. GRCh37 (hg19) VCF-style: chr9-100222725-C-T.
Other names: c.899C>T, p.Pro300Leu (NM_001302884.2); short protein forms P300L, P374L.
Identifiers: ClinVar variation 3382525 (VCV003382525.2).
Genomic context (GRCh38, chr9:97,460,443, plus strand): 5'-GTGGCCTTTGGGCCAGTGCACTTCCGAAAGCATTTGAGGAAATGTACAAAGTGAAATTCC[C>T]TGAGGATGCCTTAAAAAATCTTGCCTCACTTTCTGATGTATGCAGCATAGACTACATTTC-3'
Protein context (NP_055105.2, residues 364-384): AFEEMYKVKF[Pro374Leu]EDALKNLASL

ClinVar aggregate classification (germline): Uncertain significance (1 of 4 stars; one submission).

Conditions:
Cataract 36. Identifiers: MedGen C3151304, MONDO:0013484, OMIM 613887.

Submission:

Juno Genomics, Hangzhou Juno Genomics, Inc
Classification: Uncertain significance for Cataract 36. Review status: criteria provided, single submitter. Criteria: ACMG Guidelines, 2015. Collection method: clinical testing. Allele origin: germline. Affected: yes.
Comment: Absent from controls (or at extremely low frequency if recessive) in Genome Aggregation Database, Exome Sequencing Project, 1000 Genomes Project, or Exome Aggregation Consortium.;For recessive disorders, detected in trans with a pathogenic variant.;Multiple lines of computational evidence suggest no impact on gene or gene product (conservation, evolutionary, splicing impact, etc).